The following is an entry in ClinVar:

ClinVar aggregate classification (germline): Likely pathogenic (1 of 4 stars; one submission).

Conditions:
Autosomal recessive polycystic kidney disease (ARPKD). Also called: AR polycystic kidney disease. Identifiers: Orphanet 731, Orphanet 8378, MedGen C0085548, MeSH D017044, MONDO:0009889.

Submission:

Labcorp Genetics (formerly Invitae), Labcorp
Classification: Likely pathogenic for Autosomal recessive polycystic kidney disease. Last evaluated: 2023-03-04. Review status: criteria provided, single submitter. Criteria: Invitae Variant Classification Sherloc (09022015). Collection method: clinical testing. Allele origin: germline.
Comment: This variant has not been reported in the literature in individuals affected with PKHD1-related conditions. In summary, the currently available evidence indicates that the variant is pathogenic, but additional data are needed to prove that conclusively. Therefore, this variant has been classified as Likely Pathogenic. This variant disrupts the p.Leu3353 amino acid residue in PKHD1. Other variant(s) that disrupt this residue have been determined to be pathogenic (PMID: 28578020). This suggests that this residue is clinically significant, and that variants that disrupt this residue are likely to be disease-causing. Advanced modeling of protein sequence and biophysical properties (such as structural, functional, and spatial information, amino acid conservation, physicochemical variation, residue mobility, and thermodynamic stability) performed at Invitae indicates that this missense variant is expected to disrupt PKHD1 protein function. This variant is not present in population databases (gnomAD no frequency). This sequence change replaces leucine, which is neutral and non-polar, with histidine, which is basic and polar, at codon 3353 of the PKHD1 protein (p.Leu3353His).

Literature cited by the submitters: PubMed 28578020.

NM_138694.4(PKHD1):c.10058T>A (p.Leu3353His)

Gene: PKHD1 (PKHD1 ciliary IPT domain containing fibrocystin/polyductin; minus strand). Cytogenetic location: 6p12.3.
Variant type: single nucleotide variant.
Coding change: c.10058T>A on transcript NM_138694.4 (MANE Select); coding-DNA position 10058, T replaced by A.
Protein change: p.Leu3353His; replaces leucine 3353 with histidine.
Molecular consequence: missense variant.
Genome position (GRCh38, 1-based): chr6:51,744,483, A>T on the plus strand (T>A on the coding strand, the complement: PKHD1 is on the minus strand). VCF-style: chr6-51744483-A-T. GRCh37 (hg19) VCF-style: chr6-51609281-A-T.
Other names: c.10058T>A, p.Leu3353His (NM_170724.3); short protein forms L3353H.
Identifiers: ClinVar variation 2802118 (VCV002802118.3), dbSNP rs777377414, ClinGen allele CA364418433.